The following is an entry in ClinVar:

NM_000038.6(APC):c.8281C>T (p.Pro2761Ser)

Gene: APC (APC regulator of Wnt signaling pathway; plus strand). Cytogenetic location: 5q22.2.
Variant type: single nucleotide variant.
Coding change: c.8281C>T on transcript NM_000038.6 (MANE Select); coding-DNA position 8281, C replaced by T.
Protein change: p.Pro2761Ser; replaces proline 2761 with serine.
Molecular consequence: missense variant.
Genome position (GRCh38, 1-based): chr5:112,843,875, C>T. VCF-style: chr5-112843875-C-T. GRCh37 (hg19) VCF-style: chr5-112179572-C-T.
Other names: c.8281C>T, p.Pro2761Ser (NM_001127510.3, NM_001354895.2); c.8227C>T, p.Pro2743Ser (NM_001127511.3); c.8335C>T, p.Pro2779Ser (NM_001354896.2); c.8311C>T, p.Pro2771Ser (NM_001354897.2); c.8206C>T, p.Pro2736Ser (NM_001354898.2); c.8197C>T, p.Pro2733Ser (NM_001354899.2); c.8158C>T, p.Pro2720Ser (NM_001354900.2); c.8104C>T, p.Pro2702Ser (NM_001354901.2); and 5 more; short protein forms P2761S, P2743S, P2478S, P2601S, P2660S, P2670S, P2733S, P2635S.
Identifiers: ClinVar variation 411486 (VCV000411486.54), dbSNP rs1060503332, ClinGen allele CA16039299.

ClinVar aggregate classification (germline): Uncertain significance. Review status: criteria provided, multiple submitters, no conflicts (2 of 4 stars). 5 submissions from 5 submitters: Uncertain significance (5). Last evaluated 2023-12-25.

Conditions:
Hereditary cancer-predisposing syndrome. Also called: Neoplastic Syndromes, Hereditary; Hereditary Cancer Syndrome; Hereditary neoplastic syndrome; Tumor predisposition. Identifiers: Orphanet 140162, MedGen C0027672, MeSH D009386, MONDO:0015356.
Familial adenomatous polyposis 1 (FAP1). Also called: FAMILIAL ADENOMATOUS POLYPOSIS 1, ATTENUATED; POLYPOSIS, ADENOMATOUS INTESTINAL. Identifiers: MedGen C2713442, MONDO:0021056, OMIM 175100. Disease mechanism: loss of function.
Gastric adenocarcinoma and proximal polyposis of the stomach (GAPPS). Also called: POLYPOSIS, GASTRIC; Gastric Adenocarcinoma and Proximal Polyposis of the Stomach (GAPPS); Polyposis, gastric, Dos Santos and de Magalhaes 1980. Identifiers: Orphanet 314022, MedGen C4749917, MONDO:0017790, OMIM 619182.
Desmoid disease, hereditary (DESMD). Also called: FIBROMATOSIS, FAMILIAL INFILTRATIVE. Identifiers: Orphanet 873, MedGen C1851124, OMIM 135290. Disease mechanism: loss of function.
Hepatocellular carcinoma (HCC). Also called: Primary carcinoma of liver; HEPATOMA; LIVER CELL CARCINOMA. Identifiers: Orphanet 88673, MedGen C2239176, MONDO:0007256, OMIM 114550, HP:0001402.
Gastric cancer. Also called: Malignant tumor of stomach; Stomach cancer. Identifiers: MedGen C0024623, MeSH D013274, MONDO:0001056, OMIM 613659, HP:0012126.
Colorectal cancer. Also called: Malignant Colorectal Neoplasm; Colorectal cancer, somatic. Identifiers: MedGen C0346629, MONDO:0005575, OMIM 114500.

Allele frequency attached by ClinVar (database versions not stated): gnomAD exomes 0.00001.
gnomAD v4.1: 5 of 1,613,942 alleles (0.00031%); highest among the groups gnomAD compares: Non-Finnish European, 0.00042%; no homozygotes.

Submissions (5):

Labcorp Genetics (formerly Invitae), Labcorp
Classification: Uncertain significance for Familial adenomatous polyposis 1. Last evaluated: 2023-12-25. Review status: criteria provided, single submitter. Criteria: Invitae Variant Classification Sherloc (09022015). Collection method: clinical testing. Allele origin: germline.
Comment: This sequence change replaces proline, which is neutral and non-polar, with serine, which is neutral and polar, at codon 2761 of the APC protein (p.Pro2761Ser). This variant is not present in population databases (gnomAD no frequency). This variant has not been reported in the literature in individuals affected with APC-related conditions. ClinVar contains an entry for this variant (Variation ID: 411486). Advanced modeling of protein sequence and biophysical properties (such as structural, functional, and spatial information, amino acid conservation, physicochemical variation, residue mobility, and thermodynamic stability) performed at Invitae indicates that this missense variant is not expected to disrupt APC protein function with a negative predictive value of 95%. In summary, the available evidence is currently insufficient to determine the role of this variant in disease. Therefore, it has been classified as a Variant of Uncertain Significance.

Color Diagnostics, LLC DBA Color Health
Classification: Uncertain significance for Hereditary cancer-predisposing syndrome. Last evaluated: 2023-12-04. Review status: criteria provided, single submitter. Criteria: ACMG Guidelines, 2015. Collection method: clinical testing. Allele origin: germline.
Comment: This missense variant replaces proline with serine at codon 2761 of the APC protein. Computational prediction suggests that this variant may not impact protein structure and function (internally defined REVEL score threshold <= 0.5, PMID: 27666373). To our knowledge, functional studies have not been reported for this variant. This variant has not been reported in individuals affected with APC-related disorders in the literature. This variant has not been identified in the general population by the Genome Aggregation Database (gnomAD). The available evidence is insufficient to determine the role of this variant in disease conclusively. Therefore, this variant is classified as a Variant of Uncertain Significance.

Ambry Genetics
Classification: Uncertain significance for Hereditary cancer-predisposing syndrome. Last evaluated: 2023-09-25. Review status: criteria provided, single submitter. Criteria: Ambry Variant Classification Scheme 2023. Collection method: clinical testing. Allele origin: germline.
Comment: The p.P2761S variant (also known as c.8281C>T), located in coding exon 15 of the APC gene, results from a C to T substitution at nucleotide position 8281. The proline at codon 2761 is replaced by serine, an amino acid with similar properties. This amino acid position is conserved. In addition, in silico predictors for this gene do not accurately predict pathogenicity. Since supporting evidence is limited at this time, the clinical significance of this alteration remains unclear.

Mendelics
Classification: Uncertain significance. Last evaluated: 2022-05-04. Review status: criteria provided, single submitter. Criteria: Mendelics Assertion Criteria 2019. Collection method: clinical testing. Allele origin: germline.

Fulgent Genetics
Classification: Uncertain significance for Colorectal cancer; Hepatocellular carcinoma; Desmoid disease, hereditary; Familial adenomatous polyposis 1; Gastric cancer; Gastric adenocarcinoma and proximal polyposis of the stomach. Last evaluated: 2021-11-24. Review status: criteria provided, single submitter. Criteria: ACMG Guidelines, 2015. Collection method: clinical testing. Allele origin: unknown.